The following is an entry in ClinVar:

NM_001868.4(CPA1):c.304G>A (p.Glu102Lys)

Gene: CPA1 (carboxypeptidase A1; plus strand). Cytogenetic location: 7q32.2.
Variant type: single nucleotide variant.
Coding change: c.304G>A on transcript NM_001868.4 (MANE Select); coding-DNA position 304, G replaced by A.
Protein change: p.Glu102Lys; replaces glutamic acid 102 with lysine.
Molecular consequence: missense variant.
Genome position (GRCh38, 1-based): chr7:130,381,786, G>A. VCF-style: chr7-130381786-G-A. GRCh37 (hg19) VCF-style: chr7-130021627-G-A.
Other names: short protein forms E102K.
Identifiers: ClinVar variation 1799248 (VCV001799248.3), dbSNP rs146357579, ClinGen allele CA369280251.
Genomic context (GRCh38, chr7:130,381,786, plus strand): 5'-CACGGCATCAGCTATGAGACCATGATCGAGGACGTGCAGTCGCTGCTGGACGAGGAGCAG[G>A]AGCAGATGTTCGCCTTCCGGTCCCGGGCGCGCTCCACCGACACTTTTAACTACGCCACCT-3'
Protein context (NP_001859.1, residues 92-112): DVQSLLDEEQ[Glu102Lys]QMFAFRSRAR

ClinVar aggregate classification (germline): Uncertain significance (1 of 4 stars; one submission).

Conditions:
Hereditary pancreatitis (PCTT). Also called: Hereditary chronic pancreatitis; PRSS1-Related Hereditary Pancreatitis. Identifiers: Orphanet 676, MedGen C0238339, MONDO:0008185, OMIM 167800.

Allele frequency attached by ClinVar (database versions not stated): gnomAD 0.00001; TOPMed 0.00001.
gnomAD v4.1: 5 of 1,614,036 alleles (0.00031%); highest among the groups gnomAD compares: Non-Finnish European, 0.00042%; no homozygotes.

Submission:

Ambry Genetics
Classification: Uncertain significance for Hereditary pancreatitis. Last evaluated: 2024-04-11. Review status: criteria provided, single submitter. Criteria: Ambry Variant Classification Scheme 2023. Collection method: clinical testing. Allele origin: germline.
Comment: The p.E102K variant (also known as c.304G>A), located in coding exon 3 of the CPA1 gene, results from a G to A substitution at nucleotide position 304. The glutamic acid at codon 102 is replaced by lysine, an amino acid with similar properties. This amino acid position is conserved. In addition, this alteration is predicted to be tolerated by in silico analysis. Since supporting evidence is limited at this time, the clinical significance of this alteration remains unclear.